The following is an entry in ClinVar:

ClinVar aggregate classification (germline): Conflicting classifications of pathogenicity. Review status: criteria provided, conflicting classifications (1 of 4 stars). 3 submissions from 3 submitters: Pathogenic (1); Uncertain significance (1). 1 of the submissions does not count toward it. Last evaluated 2024-03-14.

Conditions:
Neurodegeneration, childhood-onset, with cerebellar atrophy. Identifiers: MedGen C4748934, MONDO:0032650, OMIM 618276.

Allele frequency attached by ClinVar (database versions not stated): gnomAD exomes below 0.00001; TOPMed below 0.00001.
gnomAD v4.1: 2 of 1,611,296 alleles (0.00012%); highest among the groups gnomAD compares: Non-Finnish European, 0.00017%; no homozygotes.

Submissions (3):

Genomic Medicine Center of Excellence, King Faisal Specialist Hospital and Research Centre
Classification: Pathogenic for Neurodegeneration, childhood-onset, with cerebellar atrophy. Last evaluated: 2024-03-14. Review status: criteria provided, single submitter. Criteria: ACMG Guidelines, 2015. Collection method: research. Allele origin: germline.

GeneDx
Classification: Uncertain significance. Last evaluated: 2024-02-06. Review status: criteria provided, single submitter. Criteria: GeneDx Variant Classification Process June 2021. Collection method: clinical testing. Allele origin: germline. Affected: yes.
Comment: In silico analysis supports that this missense variant has a deleterious effect on protein structure/function; Not observed at significant frequency in large population cohorts (gnomAD); Also known as c.2752C>T; p.(R918W); This variant is associated with the following publications: (PMID: 33909173, 30976113, 30420557, 28600779)

OMIM
Classification: Pathogenic for NEURODEGENERATION, CHILDHOOD-ONSET, WITH CEREBELLAR ATROPHY. Last evaluated: 2019-01-14. Review status: no assertion criteria provided. Collection method: literature only. Allele origin: germline. Not counted in ClinVar's aggregate classification.

Literature cited by the submitters: PubMed 30420557 (cited by OMIM).

NM_001330701.2(AGTPBP1):c.2752C>T (p.Arg918Trp)

Gene: AGTPBP1 (ATP/GTP binding carboxypeptidase 1; minus strand). Cytogenetic location: 9q21.33.
Variant type: single nucleotide variant.
Coding change: c.2752C>T on transcript NM_001330701.2 (MANE Select); coding-DNA position 2752, C replaced by T.
Protein change: p.Arg918Trp; replaces arginine 918 with tryptophan.
Molecular consequence: missense variant.
Genome position (GRCh38, 1-based): chr9:85,588,449, G>A on the plus strand (C>T on the coding strand, the complement: AGTPBP1 is on the minus strand). VCF-style: chr9-85588449-G-A. GRCh37 (hg19) VCF-style: chr9-88203364-G-A.
Other names: c.2908C>T, p.Arg970Trp (NM_001286715.1); c.2788C>T, p.Arg930Trp (NM_001286717.1); c.2632C>T, p.Arg878Trp (NM_015239.3); c.2632C>T (NM_015239.2); short protein forms R918W, R930W, R970W, R878W.
Identifiers: ClinVar variation 599369 (VCV000599369.5), dbSNP rs1564035967, ClinGen allele CA373914616.